The following is an entry in ClinVar:

ClinVar aggregate classification (germline): Uncertain significance (1 of 4 stars; one submission).

Submission:

Labcorp Genetics (formerly Invitae), Labcorp
Classification: Uncertain significance. Last evaluated: 2021-12-29. Review status: criteria provided, single submitter. Criteria: Invitae Variant Classification Sherloc (09022015). Collection method: clinical testing. Allele origin: germline.
Comment: In summary, the available evidence is currently insufficient to determine the role of this variant in disease. Therefore, it has been classified as a Variant of Uncertain Significance. Algorithms developed to predict the effect of sequence changes on RNA splicing suggest that this variant may create or strengthen a splice site. Algorithms developed to predict the effect of missense changes on protein structure and function (SIFT, PolyPhen-2, Align-GVGD) all suggest that this variant is likely to be disruptive. This variant has not been reported in the literature in individuals affected with LRP5-related conditions. This variant is present in population databases (rs148073961, gnomAD 0.0009%). This sequence change replaces asparagine, which is neutral and polar, with lysine, which is basic and polar, at codon 506 of the LRP5 protein (p.Asn506Lys).

NM_002335.4(LRP5):c.1518C>A (p.Asn506Lys)

Gene: LRP5 (LDL receptor related protein 5; plus strand). Cytogenetic location: 11q13.2.
Variant type: single nucleotide variant.
Coding change: c.1518C>A on transcript NM_002335.4 (MANE Select); coding-DNA position 1518, C replaced by A.
Protein change: p.Asn506Lys; replaces asparagine 506 with lysine.
Molecular consequence: missense variant. On other transcripts: intron variant (1).
Genome position (GRCh38, 1-based): chr11:68,389,986, C>A. VCF-style: chr11-68389986-C-A. GRCh37 (hg19) VCF-style: chr11-68157454-C-A.
Other names: c.-354+3274C>A (NM_001291902.2); short protein forms N506K.
Identifiers: ClinVar variation 2065221 (VCV002065221.4), dbSNP rs148073961, ClinGen allele CA6149355.